The following is an entry in ClinVar:

ClinVar aggregate classification (germline): Uncertain significance. Review status: criteria provided, multiple submitters, no conflicts (2 of 4 stars). 2 submissions from 2 submitters: Uncertain significance (2). Last evaluated 2024-11-13.

Conditions:
Developmental and epileptic encephalopathy, 2 (DEE2). Also called: INFANTILE SPASM SYNDROME, X-LINKED 2; CDKL5 deficiency disorder. Identifiers: Orphanet 1934, Orphanet 3451, Orphanet 505652, MedGen C4750718, MONDO:0010396, OMIM 300672.
Angelman syndrome-like. Identifiers: MedGen CN128785.

Submissions (2):

Women's Health and Genetics/Laboratory Corporation of America, LabCorp
Classification: Uncertain significance. Last evaluated: 2024-11-13. Review status: criteria provided, single submitter. Criteria: LabCorp Variant Classification Summary - May 2015. Collection method: clinical testing. Allele origin: germline.
Comment: Variant summary: CDKL5 c.2980+1G>A is located in a canonical splice-site and is predicted to affect mRNA splicing resulting in a significantly altered protein due to either exon skipping, shortening, or inclusion of intronic material. Variants that disrupt the consensus splice site are a relatively common cause of aberrant splicing and loss of CDKL5 function. Several computational tools predict a significant impact on normal splicing: Four predict the variant abolishes a 5' splicing donor site. However, these predictions have yet to be confirmed by functional studies. The variant was absent in 182807 control chromosomes. The available data on variant occurrences in the general population are insufficient to allow any conclusion about variant significance. To our knowledge, no occurrence of c.2980+1G>A in individuals affected with Early Infantile Epileptic Encephalopathy 2 and no experimental evidence demonstrating its impact on protein function have been reported. ClinVar contains an entry for this variant (Variation ID: 944458). Based on the evidence outlined above, the variant was classified as uncertain significance.

Labcorp Genetics (formerly Invitae), Labcorp
Classification: Uncertain significance for Developmental and epileptic encephalopathy, 2; Angelman syndrome-like. Last evaluated: 2024-05-23. Review status: criteria provided, single submitter. Criteria: Invitae Variant Classification Sherloc (09022015). Collection method: clinical testing. Allele origin: germline.
Comment: This sequence change falls in intron 20 of the CDKL5 gene. It does not directly change the encoded amino acid sequence of the CDKL5 protein. It affects a nucleotide within the consensus splice site. This variant is not present in population databases (gnomAD no frequency). This variant has not been reported in the literature in individuals affected with CDKL5-related conditions. ClinVar contains an entry for this variant (Variation ID: 944458). Variants that disrupt the consensus splice site are a relatively common cause of aberrant splicing (PMID: 17576681, 9536098). Algorithms developed to predict the effect of sequence changes on RNA splicing suggest that this variant may disrupt the consensus splice site. In summary, the available evidence is currently insufficient to determine the role of this variant in disease. Therefore, it has been classified as a Variant of Uncertain Significance.

Literature cited by the submitters: PubMed 17576681 (cited by Labcorp Genetics (formerly Invitae), Labcorp); PubMed 9536098 (cited by Labcorp Genetics (formerly Invitae), Labcorp).

NC_000023.11:g.18650593G>A

Genes: CDKL5 (cyclin dependent kinase like 5; plus strand), RS1 (retinoschisin 1; minus strand). Cytogenetic location: Xp22.13.
Variant type: single nucleotide variant.
Molecular consequence: intron variant (on NM_000330.4). On other transcripts: splice donor variant (2).
Genome position: GRCh38 VCF-style: chrX-18650593-G-A. GRCh37 (hg19) VCF-style: chrX-18668713-G-A.
Other names: c.2980+1G>A (NM_003159.3, NM_001037343.2); c.185-3261C>T (NM_000330.4).
Identifiers: ClinVar variation 944458 (VCV000944458.10), dbSNP rs1927989790, ClinGen allele CA412373967.